The following is an entry in ClinVar:

NM_001377334.1(PIK3C2B):c.2295C>T (p.Ser765=)

Gene: PIK3C2B (phosphatidylinositol-4-phosphate 3-kinase catalytic subunit type 2 beta; minus strand). Cytogenetic location: 1q32.1.
Variant type: single nucleotide variant.
Coding change: c.2295C>T on transcript NM_001377334.1 (MANE Select); coding-DNA position 2295, C replaced by T.
Protein change: p.Ser765=; no amino-acid change (serine 765 retained).
Molecular consequence: synonymous variant.
Genome position (GRCh38, 1-based): chr1:204,449,236, G>A on the plus strand (C>T on the coding strand, the complement: PIK3C2B is on the minus strand). VCF-style: chr1-204449236-G-A. GRCh37 (hg19) VCF-style: chr1-204418364-G-A.
Other names: c.2295C>T, p.Ser765= (NM_001377335.1, NM_002646.4).
Identifiers: ClinVar variation 3059316 (VCV003059316.2), dbSNP rs17847754, ClinGen allele CA1347732.
Genomic context (GRCh38, chr1:204,449,236, plus strand): 5'-AAGCCTCACCTGCAGGATGACACTGTCTGGCTGGTGGAAATTAGGTGCACTCCAACGGGC[G>A]CTGGGATTTTCCTGTGTTGCTGGCCACAAACCCAGAAGCTTCCGGCCACAGGTCAGGACC-3'
Protein context (NP_001364263.1, residues 755-775): GLWPATQENP[Ser765=]ARWSAPNFHQ

ClinVar aggregate classification (germline): Benign (0 of 4 stars; one submission).

Conditions:
PIK3C2B-related disorder. Also called: PIK3C2B-related condition.

Allele frequency attached by ClinVar (database versions not stated): ESP Exome Variant Server 0.00800; ExAC 0.01928; 1000 Genomes Project 30x 0.03404; 1000 Genomes Project 0.03554.
gnomAD v4.1: 13,733 of 1,612,980 alleles (0.85%); highest among the groups gnomAD compares: East Asian, 12%; 432 homozygotes.

Submission:

PreventionGenetics, part of Exact Sciences
Classification: Benign for PIK3C2B-related condition. Last evaluated: 2024-03-11. Review status: no assertion criteria provided. Collection method: clinical testing. Allele origin: germline.
Comment: This variant is classified as benign based on ACMG/AMP sequence variant interpretation guidelines (Richards et al. 2015 PMID: 25741868, with internal and published modifications).